The following is an entry in ClinVar:

NM_022437.3(ABCG8):c.196G>T (p.Glu66Ter)

Gene: ABCG8 (ATP binding cassette subfamily G member 8; plus strand). Cytogenetic location: 2p21.
Variant type: single nucleotide variant.
Coding change: c.196G>T on transcript NM_022437.3 (MANE Select); coding-DNA position 196, G replaced by T.
Protein change: p.Glu66Ter; replaces glutamic acid 66 with a stop codon.
Molecular consequence: nonsense.
Genome position (GRCh38, 1-based): chr2:43,846,185, G>T. VCF-style: chr2-43846185-G-T. GRCh37 (hg19) VCF-style: chr2-44073324-G-T.
Other names: c.196G>T, p.Glu66Ter (NM_001357321.2); short protein forms E66*.
Identifiers: ClinVar variation 2810730 (VCV002810730.3), dbSNP rs1349667660, ClinGen allele CA346663438.
Genomic context (GRCh38, chr2:43,846,185, plus strand): 5'-TCTAAGGAACCTTCTGATATCTCCCCACAGGTGGACCTGGCCTCTCAGGTCCCTTGGTTT[G>T]AGCAGCTGGCTCAGTTCAAGATGCCCTGGACATCTCCCAGCTGCCAGAATTCTTGTGAGC-3'

ClinVar aggregate classification (germline): Pathogenic (1 of 4 stars; one submission).

Submission:

Labcorp Genetics (formerly Invitae), Labcorp
Classification: Pathogenic. Last evaluated: 2023-10-23. Review status: criteria provided, single submitter. Criteria: Invitae Variant Classification Sherloc (09022015). Collection method: clinical testing. Allele origin: germline.
Comment: This sequence change creates a premature translational stop signal (p.Glu66*) in the ABCG8 gene. It is expected to result in an absent or disrupted protein product. Loss-of-function variants in ABCG8 are known to be pathogenic (PMID: 11452359, 15375183, 16029460). This variant is not present in population databases (gnomAD no frequency). This variant has not been reported in the literature in individuals affected with ABCG8-related conditions. For these reasons, this variant has been classified as Pathogenic.

Literature cited by the submitters: PubMed 11452359; PubMed 15375183; PubMed 16029460.